The following is an entry in ClinVar:

NM_007153.3(ZNF208):c.1533C>T (p.Asn511=)

Gene: ZNF208 (zinc finger protein 208; minus strand). Cytogenetic location: 19p12.
Variant type: single nucleotide variant.
Coding change: c.1533C>T on transcript NM_007153.3 (MANE Select); coding-DNA position 1533, C replaced by T.
Protein change: p.Asn511=; no amino-acid change (asparagine 511 retained).
Molecular consequence: synonymous variant. On other transcripts: intron variant (4).
Genome position (GRCh38, 1-based): chr19:21,973,501, G>A on the plus strand (C>T on the coding strand, the complement: ZNF208 is on the minus strand). VCF-style: chr19-21973501-G-A. GRCh37 (hg19) VCF-style: chr19-22156303-G-A.
Other names: c.226+13715C>T (NM_001329974.2); c.305+1228C>T (NM_001329971.2, NM_001329973.1); c.227-12717C>T (NM_001329972.1).
Identifiers: ClinVar variation 2649639 (VCV002649639.24), dbSNP rs62110925, ClinGen allele CA306562825.

ClinVar aggregate classification (germline): Likely benign (1 of 4 stars; one submission).

Allele frequency attached by ClinVar (database versions not stated): TOPMed below 0.00001.

Submission:

CeGaT Center for Human Genetics Tuebingen
Classification: Likely benign. Last evaluated: 2023-08-01. Review status: criteria provided, single submitter. Criteria: CeGaT Center For Human Genetics Tuebingen Variant Classification Criteria Version 2. Collection method: clinical testing. Allele origin: germline. Affected: yes. Observed: 1 variant allele.
Comment: ZNF208: PM2:Supporting, BP4, BP7